The following is an entry in ClinVar:

ClinVar aggregate classification (germline): Likely benign (1 of 4 stars; one submission).

Conditions:
TOR1AIP1-related disorder. Also called: TOR1AIP1-related condition.

Submission:

PreventionGenetics, part of Exact Sciences
Classification: Likely benign for TOR1AIP1-related condition. Last evaluated: 2026-05-18. Review status: criteria provided, single submitter. Criteria: ACMG Guidelines, 2015. Collection method: clinical testing. Allele origin: germline.
Comment: This variant is classified as likely benign based on ACMG/AMP sequence variant interpretation guidelines (Richards et al. 2015 PMID: 25741868, with internal and published modifications).

NM_015602.4(TOR1AIP1):c.1347A>G (p.Lys449=)

Gene: TOR1AIP1 (torsin 1A interacting protein 1; plus strand). Cytogenetic location: 1q25.2.
Variant type: single nucleotide variant.
Coding change: c.1347A>G on transcript NM_015602.4 (MANE Select); coding-DNA position 1347, A replaced by G.
Protein change: p.Lys449=; no amino-acid change (lysine 449 retained).
Molecular consequence: synonymous variant.
Genome position (GRCh38, 1-based): chr1:179,917,834, A>G. VCF-style: chr1-179917834-A-G. GRCh37 (hg19) VCF-style: chr1-179886969-A-G.
Other names: c.1350A>G, p.Lys450= (NM_001267578.2).
Identifiers: ClinVar variation 4991443 (VCV004991443.1).